The following is an entry in ClinVar:

ClinVar aggregate classification (germline): Pathogenic (1 of 4 stars; one submission).

Conditions:
X-linked severe combined immunodeficiency (SCIDX1). Also called: X-Linked Combined Immunodeficiency Diseases; IMMUNODEFICIENCY 4; SCID, X-LINKED; SEVERE COMBINED IMMUNODEFICIENCY, X-LINKED, T CELL-NEGATIVE, B CELL-POSITIVE, NK CELL-NEGATIVE; T-B+ severe combined immunodeficiency due to gamma chain deficiency. Identifiers: Orphanet 276, MedGen C6022468, MONDO:0010315, OMIM 300400. Disease mechanism: loss of function.

Submission:

Labcorp Genetics (formerly Invitae), Labcorp
Classification: Pathogenic for X-linked severe combined immunodeficiency. Last evaluated: 2022-03-13. Review status: criteria provided, single submitter. Criteria: Invitae Variant Classification Sherloc (09022015). Collection method: clinical testing. Allele origin: germline.
Comment: For these reasons, this variant has been classified as Pathogenic. This variant has not been reported in the literature in individuals affected with IL2RG-related conditions. This variant is not present in population databases (gnomAD no frequency). This sequence change creates a premature translational stop signal (p.Leu12Ilefs*22) in the IL2RG gene. It is expected to result in an absent or disrupted protein product. Loss-of-function variants in IL2RG are known to be pathogenic (PMID: 9058718, 10794430).

Literature cited by the submitters: PubMed 9058718; PubMed 10794430.

NM_000206.3(IL2RG):c.34_35del (p.Leu12fs)

Genes: IL2RG (interleukin 2 receptor subunit gamma; minus strand), LOC126863274 (MED14-independent group 3 enhancer GRCh37_chrX:70330888-70332087; plus strand). Cytogenetic location: Xq13.1.
Variant type: Deletion.
Coding change: c.34_35del on transcript NM_000206.3 (MANE Select); coding-DNA positions 34 to 35, 2 bases deleted (TT; older notation c.34_35delTT).
Protein change: p.Leu12fs; shifts the reading frame from leucine 12.
Molecular consequence: frameshift variant.
Genome position (GRCh38, 1-based): chrX:71,111,505-71,111,506, AA deleted on the plus strand (TT on the coding strand, the reverse complement: IL2RG is on the minus strand). VCF-style (leftmost placement, unchanged base first): chrX-71111504-TAA-T. GRCh37 (hg19) VCF-style: chrX-70331354-TAA-T.
Other names: short protein forms L12fs.
Identifiers: ClinVar variation 2111321 (VCV002111321.4), dbSNP rs2519648782, ClinGen allele CA2580101354.
Genomic context (GRCh38, chrX:71,111,504, plus strand): 5'-CCCATTGGGCGTCAGAATTGTCGTGTTCAGCCCCACTCCCAGCAGGGGCAGCTGCAGGAA[TAA>T]GAGGGATGTGAATGGTAATGATGGCTTCAACATGGCGCTTGCTCTTCATTCCCTGGGTGT-3'